The following is an entry in ClinVar:

NM_001371279.1(REEP1):c.*1325T>C

Gene: REEP1 (receptor accessory protein 1; minus strand). Cytogenetic location: 2p11.2.
Variant type: single nucleotide variant.
Coding change: c.*1325T>C on transcript NM_001371279.1 (MANE Select); 1325 bases downstream of the stop codon, T replaced by C.
Molecular consequence: 3 prime UTR variant.
Genome position (GRCh38, 1-based): chr2:86,215,714, A>G on the plus strand (T>C on the coding strand, the complement: REEP1 is on the minus strand). VCF-style: chr2-86215714-A-G. GRCh37 (hg19) VCF-style: chr2-86442837-A-G.
Other names: c.*1386T>C (NM_001164730.2, NM_001164731.2, NM_022912.3); c.*1325T>C (NM_001164732.2, NM_001371280.1).
Identifiers: ClinVar variation 337372 (VCV000337372.6), dbSNP rs3731816, ClinGen allele CA10614116.
Genomic context (GRCh38, chr2:86,215,714, plus strand): 5'-GAGCAGCTACCTCGGACCACAATGCCATTTAAACCAGATTCTTTTCAAATAAAATTCTCA[A>G]TCTAAGTGGAAAGCCCCCTCAGAGAATGCCTTATTCCCCTACTAAGCAATCCAGGCTTGT-3'

ClinVar aggregate classification (germline): Likely benign. Review status: criteria provided, multiple submitters, no conflicts (2 of 4 stars). 2 submissions from 2 submitters: Likely benign (2). Last evaluated 2017-04-27.

Conditions:
Hereditary spastic paraplegia 31. Also called: SPASTIC PARAPLEGIA 31, AUTOSOMAL DOMINANT. Identifiers: Orphanet 101011, MedGen C1853247, MONDO:0012453, OMIM 610250.

Allele frequency attached by ClinVar (database versions not stated): TOPMed 0.00337; gnomAD 0.00394 and 0.00586; 1000 Genomes Project 30x 0.02077; 1000 Genomes Project 0.02276; gnomAD exomes 0.02523.
gnomAD v4.1: 898 of 152,706 alleles (0.59%); highest among the groups gnomAD compares: East Asian, 7.8%; 19 homozygotes.

Submissions (2):

Illumina Laboratory Services, Illumina
Classification: Likely benign for Hereditary spastic paraplegia 31. Last evaluated: 2017-04-27. Review status: criteria provided, single submitter. Criteria: ICSL Variant Classification Criteria 13 December 2019. Collection method: clinical testing. Allele origin: germline.
Comment: This variant was observed as part of a predisposition screen in an ostensibly healthy population. A literature search was performed for the gene, cDNA change, and amino acid change (where applicable). No publications were found based on this search. Allele frequency data from public databases allowed determination this variant is unlikely to cause disease. Therefore, this variant is classified as likely benign.

Breakthrough Genomics
Classification: Likely benign. Review status: criteria provided, single submitter. Criteria: ACMG Guidelines, 2015. Collection method: not provided. Allele origin: germline. Inheritance: Autosomal recessive inheritance. Affected: yes.